The following is an entry in ClinVar:

ClinVar aggregate classification (germline): Uncertain significance. Review status: criteria provided, multiple submitters, no conflicts (2 of 4 stars). 2 submissions from 2 submitters: Uncertain significance (2). Last evaluated 2025-03-26.

Conditions:
Inborn genetic diseases. Identifiers: MedGen C0950123, MeSH D030342.

Allele frequency attached by ClinVar (database versions not stated): gnomAD 0.00002; TOPMed 0.00001; gnomAD exomes 0.00001.
gnomAD v4.1: 13 of 1,614,078 alleles (0.00081%); highest among the groups gnomAD compares: Admixed American, 0.022%; no homozygotes.

Submissions (2):

Ambry Genetics
Classification: Uncertain significance for Inborn genetic diseases. Last evaluated: 2025-03-26. Review status: criteria provided, single submitter. Criteria: Ambry Variant Classification Scheme 2023. Collection method: clinical testing. Allele origin: germline.

Labcorp Genetics (formerly Invitae), Labcorp
Classification: Uncertain significance. Last evaluated: 2021-12-29. Review status: criteria provided, single submitter. Criteria: Invitae Variant Classification Sherloc (09022015). Collection method: clinical testing. Allele origin: germline.
Comment: In summary, the available evidence is currently insufficient to determine the role of this variant in disease. Therefore, it has been classified as a Variant of Uncertain Significance. Algorithms developed to predict the effect of missense changes on protein structure and function are either unavailable or do not agree on the potential impact of this missense change (SIFT: "Tolerated"; PolyPhen-2: "Possibly Damaging"; Align-GVGD: "Class C0"). This variant has not been reported in the literature in individuals affected with PCSK1-related conditions. This variant is present in population databases (no rsID available, gnomAD 0.006%). This sequence change replaces glutamic acid, which is acidic and polar, with lysine, which is basic and polar, at codon 38 of the PCSK1 protein (p.Glu38Lys).

NM_000439.5(PCSK1):c.112G>A (p.Glu38Lys)

Genes: CAST (calpastatin; plus strand), PCSK1 (proprotein convertase subtilisin/kexin type 1; minus strand), LOC101929710 (uncharacterized LOC101929710; plus strand). Cytogenetic location: 5q15.
Variant type: single nucleotide variant.
Coding change: c.112G>A on transcript NM_000439.5 (MANE Select); coding-DNA position 112, G replaced by A.
Protein change: p.Glu38Lys; replaces glutamic acid 38 with lysine.
Molecular consequence: missense variant.
Genome position (GRCh38, 1-based): chr5:96,432,931, C>T on the plus strand (G>A on the coding strand, the complement: PCSK1 is on the minus strand). VCF-style: chr5-96432931-C-T. GRCh37 (hg19) VCF-style: chr5-95768635-C-T.
Other names: c.112G>A (NM_000439.4); short protein forms E38K.
Identifiers: ClinVar variation 1375524 (VCV001375524.7), dbSNP rs1049269132, ClinGen allele CA122939077.
Genomic context (GRCh38, chr5:96,432,931, plus strand): 5'-AAAGGTCATAGCCCAGCTCCTCGGCGATGGCCGAGGCTGCTTCCGGGCCCCCGGGGATCT[C>T]CGCTGCCCATTCATTGACAAATTGCCTTTTCGCTTTTGCACTGTTCAGTGCACACCAAGC-3'
Protein context (NP_000430.3, residues 28-48): KRQFVNEWAA[Glu38Lys]IPGGPEAASA